The following is an entry in ClinVar:

NM_001111.5(ADAR):c.2496+9G>A

Gene: ADAR (adenosine deaminase RNA specific; minus strand). Cytogenetic location: 1q21.3.
Variant type: single nucleotide variant.
Coding change: c.2496+9G>A on transcript NM_001111.5 (MANE Select); 9 bases into the intron after coding-DNA position 2496, G replaced by A.
Molecular consequence: intron variant.
Genome position (GRCh38, 1-based): chr1:154,590,175, C>T on the plus strand (G>A on the coding strand, the complement: ADAR is on the minus strand). VCF-style: chr1-154590175-C-T. GRCh37 (hg19) VCF-style: chr1-154562651-C-T.
Other names: c.2496+9G>A (LRG_1212t1); c.1611+9G>A (NM_001365046.1, NM_001025107.3, NM_001365048.1 and 2 more transcripts); c.2523+9G>A (NM_001365045.1); c.1533+87G>A (NM_001365049.1); c.2361+87G>A (NM_015841.4); c.2418+87G>A (NM_015840.4).
Identifiers: ClinVar variation 287411 (VCV000287411.23), dbSNP rs199698434, ClinGen allele CA1131287.

ClinVar aggregate classification (germline): Benign/Likely benign. Review status: criteria provided, multiple submitters, no conflicts (2 of 4 stars). 6 submissions from 6 submitters: Benign (4); Likely benign (1). 1 of the submissions does not count toward it. Last evaluated 2026-01-25.

Conditions:
Symmetrical dyschromatosis of extremities (DSH). Also called: Dyschromatosis symmetrica hereditaria; DYSCHROMATOSIS SYMMETRICA HEREDITARIA 1; RETICULATE ACROPIGMENTATION OF DOHI; SYMMETRIC DYSCHROMATOSIS OF THE EXTREMITIES. Identifiers: Orphanet 41, MedGen C0406775, MONDO:0007483, OMIM 127400.
ADAR-related disorder. Also called: ADAR-related disorders; ADAR-related condition.
Aicardi-Goutieres syndrome 6 (AGS6). Identifiers: Orphanet 51, MedGen C3539013, MONDO:0014007, OMIM 615010.

Allele frequency attached by ClinVar (database versions not stated): ESP Exome Variant Server 0.00008; gnomAD exomes 0.00016 and 0.00045; gnomAD 0.00017; ExAC 0.00041; 1000 Genomes Project 30x 0.00125; 1000 Genomes Project 0.00160.

Submissions (6):

Labcorp Genetics (formerly Invitae), Labcorp
Classification: Benign for Aicardi-Goutieres syndrome 6; Symmetrical dyschromatosis of extremities. Last evaluated: 2026-01-25. Review status: criteria provided, single submitter. Criteria: Invitae Variant Classification Sherloc (09022015). Collection method: clinical testing. Allele origin: germline.

Blueprint Genetics
Classification: Likely benign. Last evaluated: 2024-07-19. Review status: criteria provided, single submitter. Criteria: ACMG Guidelines, 2015. Collection method: clinical testing. Allele origin: germline.

Genome-Nilou Lab
Classification: Benign for Aicardi-Goutieres syndrome 6. Last evaluated: 2023-04-11. Review status: criteria provided, single submitter. Criteria: ACMG Guidelines, 2015. Collection method: clinical testing. Allele origin: germline. Affected: no.

Illumina Laboratory Services, Illumina
Classification: Benign for Symmetrical dyschromatosis of extremities. Last evaluated: 2018-01-13. Review status: criteria provided, single submitter. Criteria: ICSL Variant Classification Criteria 13 December 2019. Collection method: clinical testing. Allele origin: germline.
Comment: This variant was observed in the ICSL laboratory as part of a predisposition screen in an ostensibly healthy population. It had not been previously curated by ICSL or reported in the Human Gene Mutation Database (HGMD: prior to June 1st, 2018), and was therefore a candidate for classification through an automated scoring system. Utilizing variant allele frequency, disease prevalence and penetrance estimates, and inheritance mode, an automated score was calculated to assess if this variant is too frequent to cause the disease. Based on the score and internal cut-off values, a variant classified as benign is not then subjected to further curation. The score for this variant resulted in a classification of benign for this disease.

Eurofins Ntd Llc (ga)
Classification: Benign. Last evaluated: 2016-05-30. Review status: criteria provided, single submitter. Criteria: EGL Classification Definitions 2015. Collection method: clinical testing. Allele origin: germline. Observed: 1 variant allele, 1 heterozygote.

PreventionGenetics, part of Exact Sciences
Classification: Likely benign for ADAR-related condition. Last evaluated: 2019-02-28. Review status: no assertion criteria provided. Collection method: clinical testing. Allele origin: germline. Not counted in ClinVar's aggregate classification.
Comment: This variant is classified as likely benign based on ACMG/AMP sequence variant interpretation guidelines (Richards et al. 2015 PMID: 25741868, with internal and published modifications).